The following is an entry in ClinVar:

ClinVar aggregate classification (germline): Uncertain significance (1 of 4 stars; one submission).

gnomAD v4.1: 10 of 1,614,186 alleles (0.00062%); highest among the groups gnomAD compares: Non-Finnish European, 0.00085%; no homozygotes.

Submission:

Labcorp Genetics (formerly Invitae), Labcorp
Classification: Uncertain significance. Last evaluated: 2025-09-17. Review status: criteria provided, single submitter. Criteria: Invitae Variant Classification Sherloc (09022015). Collection method: clinical testing. Allele origin: germline.
Comment: This sequence change replaces glycine, which is neutral and non-polar, with serine, which is neutral and polar, at codon 931 of the REST protein (p.Gly931Ser). This variant is present in population databases (no rsID available, gnomAD 0.0009%). This variant has not been reported in the literature in individuals affected with REST-related conditions. An algorithm developed to predict the effect of missense changes on protein structure and function outputs the following: PolyPhen-2: "Benign". The serine amino acid residue is found in multiple mammalian species, which suggests that this missense change does not adversely affect protein function. In summary, the available evidence is currently insufficient to determine the role of this variant in disease. Therefore, it has been classified as a Variant of Uncertain Significance.

NM_005612.5(REST):c.2791G>A (p.Gly931Ser)

Gene: REST (RE1 silencing transcription factor; plus strand). Cytogenetic location: 4q12.
Variant type: single nucleotide variant.
Coding change: c.2791G>A on transcript NM_005612.5 (MANE Select); coding-DNA position 2791, G replaced by A.
Protein change: p.Gly931Ser; replaces glycine 931 with serine.
Molecular consequence: missense variant.
Genome position (GRCh38, 1-based): chr4:56,931,649, G>A. VCF-style: chr4-56931649-G-A. GRCh37 (hg19) VCF-style: chr4-57797815-G-A.
Other names: c.2707G>A, p.Gly903Ser (NM_001440533.1, NM_001440532.1); c.2791G>A, p.Gly931Ser (NM_001193508.2, NM_001363453.3); short protein forms G931S, G903S.
Identifiers: ClinVar variation 4764334 (VCV004764334.1).